The following is an entry in ClinVar:

NM_017415.3(KLHL3):c.1625T>C (p.Val542Ala)

Gene: KLHL3 (kelch like family member 3; minus strand). Cytogenetic location: 5q31.2.
Variant type: single nucleotide variant.
Coding change: c.1625T>C on transcript NM_017415.3 (MANE Select); coding-DNA position 1625, T replaced by C.
Protein change: p.Val542Ala; replaces valine 542 with alanine.
Molecular consequence: missense variant.
Genome position (GRCh38, 1-based): chr5:137,625,863, A>G on the plus strand (T>C on the coding strand, the complement: KLHL3 is on the minus strand). VCF-style: chr5-137625863-A-G. GRCh37 (hg19) VCF-style: chr5-136961552-A-G.
Other names: c.1529T>C, p.Val510Ala (NM_001257194.1); c.1379T>C, p.Val460Ala (NM_001257195.2); short protein forms V542A, V460A, V510A.
Identifiers: ClinVar variation 424213 (VCV000424213.2), dbSNP rs1064796864, ClinGen allele CA16618117.

ClinVar aggregate classification (germline): Uncertain significance (1 of 4 stars; one submission).

Submission:

GeneDx
Classification: Uncertain significance. Last evaluated: 2017-03-28. Review status: criteria provided, single submitter. Criteria: GeneDx Variant Classification (06012015). Collection method: clinical testing. Allele origin: germline. Affected: yes.
Comment: The V542A variant in the KLHL3 gene has not been reported previously as a pathogenic variant, nor as a benign variant, to our knowledge. The V542A variant is not observed in large population cohorts (Lek et al., 2016; 1000 Genomes Consortium et al., 2015; Exome Variant Server). The V542A variant is a conservative amino acid substitution, where amino acids with similar properties to Valine are tolerated across species. In silico analysis predicts this variant is probably damaging to the protein structure/function.